The following is an entry in ClinVar:

ClinVar aggregate classification (germline): Uncertain significance. Review status: criteria provided, multiple submitters, no conflicts (2 of 4 stars). 2 submissions from 2 submitters: Uncertain significance (2). Last evaluated 2025-03-06.

Conditions:
Inborn genetic diseases. Identifiers: MedGen C0950123, MeSH D030342.

Submissions (2):

Labcorp Genetics (formerly Invitae), Labcorp
Classification: Uncertain significance. Last evaluated: 2025-03-06. Review status: criteria provided, single submitter. Criteria: Invitae Variant Classification Sherloc (09022015). Collection method: clinical testing. Allele origin: germline.
Comment: This sequence change replaces asparagine, which is neutral and polar, with serine, which is neutral and polar, at codon 195 of the C6 protein (p.Asn195Ser). This variant is not present in population databases (gnomAD no frequency). This variant has not been reported in the literature in individuals affected with C6-related conditions. An algorithm developed to predict the effect of missense changes on protein structure and function outputs the following: PolyPhen-2: "Benign". The serine amino acid residue is found in multiple mammalian species, which suggests that this missense change does not adversely affect protein function. In summary, the available evidence is currently insufficient to determine the role of this variant in disease. Therefore, it has been classified as a Variant of Uncertain Significance.

Ambry Genetics
Classification: Uncertain significance for Inborn genetic diseases. Last evaluated: 2025-01-19. Review status: criteria provided, single submitter. Criteria: Ambry Variant Classification Scheme 2023. Collection method: clinical testing. Allele origin: germline.

NM_000065.5(C6):c.584A>G (p.Asn195Ser)

Gene: C6 (complement C6; minus strand). Cytogenetic location: 5p13.1.
Variant type: single nucleotide variant.
Coding change: c.584A>G on transcript NM_000065.5 (MANE Select); coding-DNA position 584, A replaced by G.
Protein change: p.Asn195Ser; replaces asparagine 195 with serine.
Molecular consequence: missense variant.
Genome position (GRCh38, 1-based): chr5:41,195,795, T>C on the plus strand (A>G on the coding strand, the complement: C6 is on the minus strand). VCF-style: chr5-41195795-T-C. GRCh37 (hg19) VCF-style: chr5-41195897-T-C.
Other names: c.584A>G, p.Asn195Ser (NM_001115131.4); short protein forms N195S.
Identifiers: ClinVar variation 3826394 (VCV003826394.2).
Genomic context (GRCh38, chr5:41,195,795, plus strand): 5'-CTGACTCATTTGTTCTGATACCTGTTCTCCCCAAGATGATAAAAAGATGTTACATACCCA[T>C]TGCCCATCAACTGTACACTAGGGATGGGATTATACTTCCGTGTGCATACTGCCTTTGTCC-3'
Protein context (NP_000056.2, residues 185-205): NPIPSVQLMG[Asn195Ser]GFHFLAGEPR